The following is an entry in ClinVar:

NM_001368809.2(AMPD2):c.1080+2T>G

Genes: AMPD2 (adenosine monophosphate deaminase 2; plus strand), LOC126805822 (BRD4-independent group 4 enhancer GRCh37_chr1:110170748-110171947; plus strand). Cytogenetic location: 1p13.3.
Variant type: single nucleotide variant.
Coding change: c.1080+2T>G on transcript NM_001368809.2 (MANE Select); the canonical splice donor site of the intron after coding-DNA position 1080, T replaced by G.
Molecular consequence: splice donor variant.
Genome position (GRCh38, 1-based): chr1:109,627,905, T>G. VCF-style: chr1-109627905-T-G. GRCh37 (hg19) VCF-style: chr1-110170527-T-G.
Other names: c.999+2T>G (NM_139156.4); c.1017+2T>G (NM_001308170.1); c.1080+2T>G (NM_004037.9); c.888+2T>G (NM_001257361.2).
Identifiers: ClinVar variation 4791019 (VCV004791019.1).

ClinVar aggregate classification (germline): Likely pathogenic (1 of 4 stars; one submission).

Conditions:
Pontocerebellar hypoplasia type 9. Identifiers: Orphanet 369920, MedGen C4014354, MONDO:0014351, OMIM 615809.
Hereditary spastic paraplegia 63. Also called: Spastic paraplegia 63, autosomal recessive. Identifiers: Orphanet 401805, MedGen C3810295, MONDO:0014305, OMIM 615686.

gnomAD v4.1: 2 of 1,612,368 alleles (0.00012%); highest among the groups gnomAD compares: Non-Finnish European, 0.00017%; no homozygotes.

Submission:

Labcorp Genetics (formerly Invitae), Labcorp
Classification: Likely pathogenic for Pontocerebellar hypoplasia type 9; Hereditary spastic paraplegia 63. Last evaluated: 2025-07-15. Review status: criteria provided, single submitter. Criteria: Invitae Variant Classification Sherloc (09022015). Collection method: clinical testing. Allele origin: germline.
Comment: This sequence change affects a donor splice site in intron 10 of the AMPD2 gene. It is expected to disrupt RNA splicing. Variants that disrupt the donor or acceptor splice site typically lead to a loss of protein function (PMID: 16199547), and loss-of-function variants in AMPD2 are known to be pathogenic (PMID: 23911318). This variant is not present in population databases (gnomAD no frequency). This variant has not been reported in the literature in individuals affected with AMPD2-related conditions. Algorithms developed to predict the effect of sequence changes on RNA splicing suggest that this variant may disrupt the consensus splice site. In summary, the currently available evidence indicates that the variant is pathogenic, but additional data are needed to prove that conclusively. Therefore, this variant has been classified as Likely Pathogenic.

Literature cited by the submitters: PubMed 16199547; PubMed 23911318.